The following is an entry in ClinVar:

NM_004588.4(SCN2B):c.-488T>C

Gene: SCN2B (sodium voltage-gated channel beta subunit 2; minus strand). Cytogenetic location: 11q23.3.
Variant type: single nucleotide variant.
Coding change: c.-488T>C on transcript NM_004588.4; 488 bases upstream of the start codon, T replaced by C.
Genome position (GRCh38, 1-based): chr11:118,176,919, A>G on the plus strand (T>C on the coding strand, the complement: SCN2B is on the minus strand). VCF-style: chr11-118176919-A-G. GRCh37 (hg19) VCF-style: chr11-118047634-A-G.
Identifiers: ClinVar variation 670022 (VCV000670022.3), dbSNP rs72544150, ClinGen allele CA229474537.

ClinVar aggregate classification (germline): Benign (1 of 4 stars; one submission).

Allele frequency attached by ClinVar (database versions not stated): 1000 Genomes Project 30x 0.01546; 1000 Genomes Project 0.01577; TOPMed 0.01638; gnomAD 0.01445 and 0.01558.

Submission:

GeneDx
Classification: Benign. Last evaluated: 2018-06-14. Review status: criteria provided, single submitter. Criteria: GeneDx Variant Classification (06012015). Collection method: clinical testing. Allele origin: germline. Affected: yes.
Comment: This variant is considered likely benign or benign based on one or more of the following criteria: it is a conservative change, it occurs at a poorly conserved position in the protein, it is predicted to be benign by multiple in silico algorithms, and/or has population frequency not consistent with disease.